The following is an entry in ClinVar:

ClinVar aggregate classification (germline): Uncertain significance (1 of 4 stars; one submission).

Conditions:
Joubert syndrome. Also called: Familial aplasia of the vermis; CEREBELLOPARENCHYMAL DISORDER IV; JOUBERT-BOLTSHAUSER SYNDROME. Identifiers: Orphanet 475, MedGen C5979921, MONDO:0018772.
Meckel-Gruber syndrome. Also called: Dysencephalia splachnocystica; DYSENCEPHALIA SPLANCHNOCYSTICA; GRUBER SYNDROME. Identifiers: Orphanet 564, MedGen C0265215, MONDO:0018921.

Allele frequency attached by ClinVar (database versions not stated): gnomAD exomes 0.00001; TOPMed 0.00001.
gnomAD v4.1: 3 of 1,614,150 alleles (0.00019%); highest among the groups gnomAD compares: Admixed American, 0.005%; no homozygotes.

Submission:

Labcorp Genetics (formerly Invitae), Labcorp
Classification: Uncertain significance for Joubert syndrome; Meckel-Gruber syndrome. Last evaluated: 2023-11-13. Review status: criteria provided, single submitter. Criteria: Invitae Variant Classification Sherloc (09022015). Collection method: clinical testing. Allele origin: germline.
Comment: This sequence change replaces valine, which is neutral and non-polar, with alanine, which is neutral and non-polar, at codon 94 of the B9D1 protein (p.Val94Ala). This variant is present in population databases (no rsID available, gnomAD 0.006%). This variant has not been reported in the literature in individuals affected with B9D1-related conditions. ClinVar contains an entry for this variant (Variation ID: 1021560). An algorithm developed to predict the effect of missense changes on protein structure and function (PolyPhen-2) suggests that this variant is likely to be tolerated. In summary, the available evidence is currently insufficient to determine the role of this variant in disease. Therefore, it has been classified as a Variant of Uncertain Significance.

NM_015681.6(B9D1):c.281T>C (p.Val94Ala)

Gene: B9D1 (B9 domain containing 1; minus strand). Cytogenetic location: 17p11.2.
Variant type: single nucleotide variant.
Coding change: c.281T>C on transcript NM_015681.6 (MANE Select); coding-DNA position 281, T replaced by C.
Protein change: p.Val94Ala; replaces valine 94 with alanine.
Molecular consequence: missense variant. On other transcripts: 5 prime UTR variant (1).
Genome position (GRCh38, 1-based): chr17:19,347,844, A>G on the plus strand (T>C on the coding strand, the complement: B9D1 is on the minus strand). VCF-style: chr17-19347844-A-G. GRCh37 (hg19) VCF-style: chr17-19251157-A-G.
Other names: c.281T>C, p.Val94Ala (NM_001321214.2, NM_001321215.3, NM_001321216.2 and 4 more transcripts); c.-80T>C (NM_001368769.2); short protein forms V94A.
Identifiers: ClinVar variation 1021560 (VCV001021560.5), dbSNP rs1315959511, ClinGen allele CA398696743.